The following is an entry in ClinVar:

ClinVar aggregate classification (germline): Pathogenic/Likely pathogenic. Review status: criteria provided, multiple submitters, no conflicts (2 of 4 stars). 3 submissions from 3 submitters: Pathogenic (1); Likely pathogenic (2). Last evaluated 2025-06-25.

Conditions:
Cohen syndrome (COH1). Also called: PEPPER SYNDROME; Cutis verticis gyrata, retinitis pigmentosa, and sensorineural deafness. Identifiers: Orphanet 193, MedGen C0265223, MONDO:0008999, OMIM 216550.

Submissions (3):

GeneDx
Classification: Likely pathogenic. Last evaluated: 2025-06-25. Review status: criteria provided, single submitter. Criteria: GeneDx Variant Classification Process June 2021. Collection method: clinical testing. Allele origin: germline. Affected: yes.
Comment: Canonical splice site variant predicted to result in a null allele in a gene for which loss of function is a known mechanism of disease; Not observed at significant frequency in large population cohorts (gnomAD); Has not been previously published as pathogenic or benign to our knowledge

Natera, Inc.
Classification: Likely pathogenic for Cohen syndrome. Last evaluated: 2025-04-28. Review status: criteria provided, single submitter. Criteria: Natera Variant Classification Schema (03/2026). Collection method: clinical testing. Allele origin: germline.
Comment: The c.3445+1G>A variant in VPS13B is a canonical splice donor site variant predicted to affect pre-mRNA splicing, which may result in an abnormal transcript and altered protein product. This variant is expected to result in nonsense mediated decay, truncation, or a dysfunctional protein product. This variant is rare in the general population with a frequency below the threshold expected for the associated phenotype(s). Given the available evidence, this variant is classified as Likely Pathogenic.

3billion
Classification: Pathogenic for Cohen syndrome. Last evaluated: 2023-12-26. Review status: criteria provided, single submitter. Criteria: ACMG Guidelines, 2015. Collection method: clinical testing. Allele origin: germline. Affected: yes.
Comment: The variant is not observed in the gnomAD v2.1.1 dataset. Predicted Consequence/Location: Canonical splice site: predicted to alter splicing and result in a loss or disruption of normal protein function. Multiple pathogenic loss-of-function variants are reported downstream of the variant. Therefore, this variant is classified as Pathogenic according to the recommendation of ACMG/AMP guideline.

NM_152564.5(VPS13B):c.3445+1G>A

Gene: VPS13B (vacuolar protein sorting 13 homolog B; plus strand). Cytogenetic location: 8q22.2.
Variant type: single nucleotide variant.
Coding change: c.3445+1G>A on transcript NM_152564.5 (MANE Select); the canonical splice donor site of the intron after coding-DNA position 3445, G replaced by A.
Molecular consequence: splice donor variant.
Genome position (GRCh38, 1-based): chr8:99,442,636, G>A. VCF-style: chr8-99442636-G-A. GRCh37 (hg19) VCF-style: chr8-100454864-G-A.
Other names: c.3445+1G>A (NM_017890.5, NM_017890.4).
Identifiers: ClinVar variation 3776252 (VCV003776252.4).